The following is an entry in ClinVar:

ClinVar aggregate classification (germline): Uncertain significance (1 of 4 stars; one submission).

Submission:

GeneDx
Classification: Uncertain significance. Last evaluated: 2025-02-03. Review status: criteria provided, single submitter. Criteria: GeneDx Variant Classification Process June 2021. Collection method: clinical testing. Allele origin: germline. Affected: yes.
Comment: Not observed at significant frequency in large population cohorts (gnomAD); In silico analysis supports that this missense variant has a deleterious effect on protein structure/function; Has not been previously published as pathogenic or benign to our knowledge

NM_001083619.3(GRIA2):c.340C>A (p.Pro114Thr)

Gene: GRIA2 (glutamate ionotropic receptor AMPA type subunit 2; plus strand). Cytogenetic location: 4q32.1.
Variant type: single nucleotide variant.
Coding change: c.340C>A on transcript NM_001083619.3 (MANE Select); coding-DNA position 340, C replaced by A.
Protein change: p.Pro114Thr; replaces proline 114 with threonine.
Molecular consequence: missense variant.
Genome position (GRCh38, 1-based): chr4:157,303,662, C>A. VCF-style: chr4-157303662-C-A. GRCh37 (hg19) VCF-style: chr4-158224814-C-A.
Other names: c.340C>A, p.Pro114Thr (NM_000826.6); c.199C>A, p.Pro67Thr (NM_001083620.3, NM_001379000.3, NM_001379001.3); short protein forms P114T, P67T.
Identifiers: ClinVar variation 4072783 (VCV004072783.1).
Genomic context (GRCh38, chr4:157,303,662, plus strand): 5'-AAGAAGTCTGTAAATACCATCACATCATTTTGCGGAACACTCCACGTCTCCTTCATCACT[C>A]CCAGCTTCCCAACAGATGGCACACATCCATTTGTCATTCAGATGAGACCCGACCTCAAAG-3'
Protein context (NP_001077088.2, residues 104-124): CGTLHVSFIT[Pro114Thr]SFPTDGTHPF